The following is an entry in ClinVar:

NM_001290043.2(TAP2):c.561T>G (p.His187Gln)

Genes: TAP2 (transporter 2, ATP binding cassette subfamily B member; minus strand), LOC107648851 (meiotic recombination hotspot TAP2; plus strand). Cytogenetic location: 6p21.32.
Variant type: single nucleotide variant.
Coding change: c.561T>G on transcript NM_001290043.2 (MANE Select); coding-DNA position 561, T replaced by G.
Protein change: p.His187Gln; replaces histidine 187 with glutamine.
Molecular consequence: missense variant.
Genome position (GRCh38, 1-based): chr6:32,837,584, A>C on the plus strand (T>G on the coding strand, the complement: TAP2 is on the minus strand). VCF-style: chr6-32837584-A-C. GRCh37 (hg19) VCF-style: chr6-32805361-A-C.
Other names: c.561T>G, p.His187Gln (NM_000544.3, NM_018833.3); short protein forms H187Q.
Identifiers: ClinVar variation 1347125 (VCV001347125.8), dbSNP rs2127366964, ClinGen allele CA363586070.

ClinVar aggregate classification (germline): Uncertain significance (1 of 4 stars; one submission).

Conditions:
MHC class I deficiency. Identifiers: Orphanet 34592, MedGen C6024714, MONDO:0011476.

Submission:

Labcorp Genetics (formerly Invitae), Labcorp
Classification: Uncertain significance for MHC class I deficiency 1. Last evaluated: 2022-05-03. Review status: criteria provided, single submitter. Criteria: Invitae Variant Classification Sherloc (09022015). Collection method: clinical testing. Allele origin: germline.
Comment: Algorithms developed to predict the effect of sequence changes on RNA splicing suggest that this variant may create or strengthen a splice site. In summary, the available evidence is currently insufficient to determine the role of this variant in disease. Therefore, it has been classified as a Variant of Uncertain Significance. Algorithms developed to predict the effect of missense changes on protein structure and function are either unavailable or do not agree on the potential impact of this missense change (SIFT: "Tolerated"; PolyPhen-2: "Not Available"; Align-GVGD: "Class C0"). This variant has not been reported in the literature in individuals affected with TAP2-related conditions. This variant is not present in population databases (gnomAD no frequency). This sequence change replaces histidine, which is basic and polar, with glutamine, which is neutral and polar, at codon 187 of the TAP2 protein (p.His187Gln).